The following is an entry in ClinVar:

ClinVar aggregate classification (germline): Uncertain significance (1 of 4 stars; one submission).

Conditions:
Hereditary spastic paraplegia 50 (SPG50). Also called: Spastic paraplegia 50, autosomal recessive. Identifiers: Orphanet 280763, MedGen C2752008, MONDO:0013048, OMIM 612936.

Allele frequency attached by ClinVar (database versions not stated): TOPMed below 0.00001; gnomAD 0.00001.

Submission:

Labcorp Genetics (formerly Invitae), Labcorp
Classification: Uncertain significance for Hereditary spastic paraplegia 50. Last evaluated: 2022-02-20. Review status: criteria provided, single submitter. Criteria: Invitae Variant Classification Sherloc (09022015). Collection method: clinical testing. Allele origin: germline.
Comment: In summary, the available evidence is currently insufficient to determine the role of this variant in disease. Therefore, it has been classified as a Variant of Uncertain Significance. Algorithms developed to predict the effect of missense changes on protein structure and function (SIFT, PolyPhen-2, Align-GVGD) all suggest that this variant is likely to be tolerated. This variant has not been reported in the literature in individuals affected with AP4M1-related conditions. This variant is present in population databases (rs768310232, gnomAD 0.003%). This sequence change replaces histidine, which is basic and polar, with glutamine, which is neutral and polar, at codon 414 of the AP4M1 protein (p.His414Gln).

NM_004722.4(AP4M1):c.1242C>A (p.His414Gln)

Gene: AP4M1 (adaptor related protein complex 4 subunit mu 1; plus strand). Cytogenetic location: 7q22.1.
Variant type: single nucleotide variant.
Coding change: c.1242C>A on transcript NM_004722.4 (MANE Select); coding-DNA position 1242, C replaced by A.
Protein change: p.His414Gln; replaces histidine 414 with glutamine.
Molecular consequence: missense variant.
Genome position (GRCh38, 1-based): chr7:100,106,762, C>A. VCF-style: chr7-100106762-C-A. GRCh37 (hg19) VCF-style: chr7-99704385-C-A.
Other names: c.1263C>A, p.His421Gln (NM_001363671.2); short protein forms H414Q, H421Q.
Identifiers: ClinVar variation 2149636 (VCV002149636.2), dbSNP rs768310232, ClinGen allele CA4375044.